The following is an entry in ClinVar:

NM_005996.4(TBX3):c.1357C>G (p.Leu453Val)

Gene: TBX3 (T-box transcription factor 3; minus strand). Cytogenetic location: 12q24.21.
Variant type: single nucleotide variant.
Coding change: c.1357C>G on transcript NM_005996.4 (MANE Select); coding-DNA position 1357, C replaced by G.
Protein change: p.Leu453Val; replaces leucine 453 with valine.
Molecular consequence: missense variant.
Genome position (GRCh38, 1-based): chr12:114,674,518, G>C on the plus strand (C>G on the coding strand, the complement: TBX3 is on the minus strand). VCF-style: chr12-114674518-G-C. GRCh37 (hg19) VCF-style: chr12-115112323-G-C.
Other names: c.1417C>G, p.Leu473Val (NM_016569.4); short protein forms L453V, L473V.
Identifiers: ClinVar variation 3665645 (VCV003665645.2).

ClinVar aggregate classification (germline): Uncertain significance (1 of 4 stars; one submission).

Conditions:
Ulnar-mammary syndrome (UMS). Also called: SCHINZEL SYNDROME; Ulnar-mammary syndrome of Pallister; PALLISTER ULNAR-MAMMARY SYNDROME. Identifiers: Orphanet 3138, MedGen C1866994, MONDO:0008411, OMIM 181450.

Submission:

Labcorp Genetics (formerly Invitae), Labcorp
Classification: Uncertain significance for Ulnar-mammary syndrome. Last evaluated: 2025-02-06. Review status: criteria provided, single submitter. Criteria: Invitae Variant Classification Sherloc (09022015). Collection method: clinical testing. Allele origin: germline.
Comment: This sequence change replaces leucine, which is neutral and non-polar, with valine, which is neutral and non-polar, at codon 453 of the TBX3 protein (p.Leu453Val). This variant is not present in population databases (gnomAD no frequency). This variant has not been reported in the literature in individuals affected with TBX3-related conditions. An algorithm developed to predict the effect of missense changes on protein structure and function (PolyPhen-2) suggests that this variant is likely to be tolerated. In summary, the available evidence is currently insufficient to determine the role of this variant in disease. Therefore, it has been classified as a Variant of Uncertain Significance.